The following is an entry in ClinVar:

ClinVar aggregate classification (germline): Uncertain significance (1 of 4 stars; one submission).

Submission:

GeneDx
Classification: Uncertain significance. Last evaluated: 2019-11-10. Review status: criteria provided, single submitter. Criteria: GeneDx Variant Classification Process June 2021. Collection method: clinical testing. Allele origin: germline. Affected: yes.
Comment: Not observed in large population cohorts (Lek et al., 2016); In silico analysis, which includes splice predictors and evolutionary conservation, supports a deleterious effect; Has not been previously published as pathogenic or benign to our knowledge

NM_001278512.2(AP3B2):c.961G>A (p.Val321Met)

Genes: CPEB1-AS1 (CPEB1 antisense RNA 1; plus strand), AP3B2 (adaptor related protein complex 3 subunit beta 2; minus strand). Cytogenetic location: 15q25.2.
Variant type: single nucleotide variant.
Coding change: c.961G>A on transcript NM_001278512.2 (MANE Select); coding-DNA position 961, G replaced by A.
Protein change: p.Val321Met; replaces valine 321 with methionine.
Molecular consequence: missense variant.
Genome position (GRCh38, 1-based): chr15:82,680,566, C>T on the plus strand (G>A on the coding strand, the complement: AP3B2 is on the minus strand). VCF-style: chr15-82680566-C-T. GRCh37 (hg19) VCF-style: chr15-83349318-C-T.
Other names: c.865G>A, p.Val289Met (NM_001278511.2); c.961G>A, p.Val321Met (NM_004644.5); short protein forms V289M, V321M.
Identifiers: ClinVar variation 1304025 (VCV001304025.2), dbSNP rs2151440833, ClinGen allele CA393318918.